The following is an entry in ClinVar:

ClinVar aggregate classification (germline): Uncertain significance (1 of 4 stars; one submission).

Conditions:
Inborn genetic diseases. Identifiers: MedGen C0950123, MeSH D030342.

Submission:

Ambry Genetics
Classification: Uncertain significance for Inborn genetic diseases. Last evaluated: 2024-06-14. Review status: criteria provided, single submitter. Criteria: Ambry Variant Classification Scheme 2023. Collection method: clinical testing. Allele origin: germline.
Comment: The c.1611+3A>G intronic alteration results from an A to G substitution 3 nucleotides after coding exon 9 of the HNRNPUL2 gene. This variant was not reported in population-based cohorts in the Genome Aggregation Database (gnomAD). This nucleotide position is highly conserved in available vertebrate species. RNA studies have demonstrated that this alteration results in a transcript predicted to lead to a protein with an in-frame deletion of 43 amino acids; however, the exact functional impact of the deleted amino acids is unknown at this time (Ambry internal data). In silico splice site analysis predicts that this alteration may weaken the native splice donor site. Based on insufficient or conflicting evidence, the clinical significance of this alteration remains unclear.

NM_001079559.3(HNRNPUL2):c.1611+3A>G

Genes: HNRNPUL2 (heterogeneous nuclear ribonucleoprotein U like 2; minus strand), HNRNPUL2-BSCL2 (HNRNPUL2-BSCL2 readthrough (NMD candidate); minus strand). Cytogenetic location: 11q12.3.
Variant type: single nucleotide variant.
Coding change: c.1611+3A>G on transcript NM_001079559.3 (MANE Select); 3 bases into the intron after coding-DNA position 1611, A replaced by G.
Molecular consequence: intron variant.
Genome position (GRCh38, 1-based): chr11:62,721,292, T>C on the plus strand (A>G on the coding strand, the complement: HNRNPUL2 is on the minus strand). VCF-style: chr11-62721292-T-C. GRCh37 (hg19) VCF-style: chr11-62488764-T-C.
Identifiers: ClinVar variation 3284593 (VCV003284593.1).